The following is an entry in ClinVar:

NM_002609.4(PDGFRB):c.1679C>T (p.Pro560Leu)

Gene: PDGFRB (platelet derived growth factor receptor beta; minus strand). Cytogenetic location: 5q32.
Variant type: single nucleotide variant.
Coding change: c.1679C>T on transcript NM_002609.4 (MANE Select); coding-DNA position 1679, C replaced by T.
Protein change: p.Pro560Leu; replaces proline 560 with leucine.
Molecular consequence: missense variant.
Genome position (GRCh38, 1-based): chr5:150,125,573, G>A on the plus strand (C>T on the coding strand, the complement: PDGFRB is on the minus strand). VCF-style: chr5-150125573-G-A. GRCh37 (hg19) VCF-style: chr5-149505136-G-A.
Other names: c.1487C>T, p.Pro496Leu (NM_001355016.2); c.1196C>T, p.Pro399Leu (NM_001355017.2); c.1679C>T (NM_002609.3); short protein forms P560L, P399L, P496L.
Identifiers: ClinVar variation 2925384 (VCV002925384.6), dbSNP rs2481203941, ClinGen allele CA361766400.

ClinVar aggregate classification (germline): Pathogenic/Likely pathogenic. Review status: criteria provided, multiple submitters, no conflicts (2 of 4 stars). 4 submissions from 4 submitters: Pathogenic (2); Likely pathogenic (2). Last evaluated 2024-10-18.

Conditions:
Myofibromatosis, infantile, 1. Also called: Myofibromatosis, juvenile. Identifiers: Orphanet 2591, MedGen C4551572, MONDO:0009227, OMIM 228550.
Myeloproliferative disorder, chronic, with eosinophilia. Also called: EOSINOPHILS, MALIGNANT PROLIFERATION OF; Malignant eosinophil proliferation. Identifiers: MedGen C1851585, MONDO:0007546, OMIM 131440, HP:0006782.
Skeletal overgrowth-craniofacial dysmorphism-hyperelastic skin-white matter lesions syndrome. Also called: SKELETAL OVERGROWTH WITH FACIAL DYSMORPHISM, HYPERELASTIC SKIN, WHITE MATTER LESIONS, AND NEUROLOGIC DETERIORATION; Kosaki overgrowth syndrome. Identifiers: Orphanet 477831, MedGen C4225270, MONDO:0014704, OMIM 616592.
Acroosteolysis-keloid-like lesions-premature aging syndrome. Also called: Premature aging syndrome, Penttinen type; Prematurely aged appearance, delayed bone maturation, acro-osteolysis, and brachydactyly; Progeroid syndrome, Penttinen type. Identifiers: Orphanet 363665, MedGen C1866182, MONDO:0011150, OMIM 601812.
Infantile myofibromatosis (IMF). Also called: Congenital generalized fibromatosis. Identifiers: Orphanet 2591, MedGen C0432284, MONDO:0016824.
Basal ganglia calcification, idiopathic, 4 (PFBC4). Also called: Familial Idiopathic Basal Ganglia Calcification 4; PRIMARY FAMILIAL BRAIN CALCIFICATION 4, AUTOSOMAL DOMINANT. Identifiers: Orphanet 1980, MedGen C3554321, MONDO:0014004, OMIM 615007.
PDGFRB-related disorder. Also called: PDGFRB-related condition.

Submissions (4):

Blueprint Genetics
Classification: Likely pathogenic for PDGFRB-related disorders. Last evaluated: 2024-10-18. Review status: criteria provided, single submitter. Criteria: ACMG Guidelines, 2015. Collection method: clinical testing. Allele origin: germline. Affected: yes. Observed: 1 variant allele.

New York Genome Center
Classification: Pathogenic for Acroosteolysis-keloid-like lesions-premature aging syndrome; Skeletal overgrowth-craniofacial dysmorphism-hyperelastic skin-white matter lesions syndrome; Myofibromatosis, infantile, 1; Myeloproliferative disorder, chronic, with eosinophilia. Last evaluated: 2024-09-20. Review status: criteria provided, single submitter. Criteria: NYGC Assertion Criteria 2020. Collection method: clinical testing. Allele origin: inherited. Observed: 1 variant allele, 1 heterozygote.
Comment: This variant is predicted to lead to the substitution of a well conserved Proline for Leucine at amino acid 560/1107, p.(Pro560Leu) within the juxtamembrane region of PDGFRB ([PMID:33449152]; UniProtKB:P09619) where other pathogenic variants have been reported (for Review, [PMID:33449152]). The c.1679C>T p.(Pro560Leu) variant has been reported in ClinVar as Pathogenic (VarID:2925384) and has also been reported in a family with Infantile Myofibromatosis, in which it segregated with disease in 4 affected and 4 unaffected individuals with inter-familial variability of nodules and lesions in tissue, muscle, and bone [PMID:28417142]. This variant is absent from population databases (gnomADv4.1.0, All of Us) suggesting it is not a common benign variant in the populations represented in those databases. In silico algorithms predict this variant to have a damaging effect to protein function (REVEL=0.825), although functional studies are not available to confirm or refute that prediction. Given the available evidence, the inherited c.1679C>T p.(Pro560Leu) variant identified in the PDGFRB gene is reported as Pathogenic.

Labcorp Genetics (formerly Invitae), Labcorp
Classification: Pathogenic for Basal ganglia calcification, idiopathic, 4; Skeletal overgrowth-craniofacial dysmorphism-hyperelastic skin-white matter lesions syndrome; Infantile myofibromatosis; Acroosteolysis-keloid-like lesions-premature aging syndrome. Last evaluated: 2024-02-13. Review status: criteria provided, single submitter. Criteria: Invitae Variant Classification Sherloc (09022015). Collection method: clinical testing. Allele origin: germline.
Comment: This sequence change replaces proline, which is neutral and non-polar, with leucine, which is neutral and non-polar, at codon 560 of the PDGFRB protein (p.Pro560Leu). This variant is not present in population databases (gnomAD no frequency). This missense change has been observed in individual(s) with infantile myofibromatosis (PMID: 28417142; external communication). It has also been observed to segregate with disease in related individuals. Advanced modeling of protein sequence and biophysical properties (such as structural, functional, and spatial information, amino acid conservation, physicochemical variation, residue mobility, and thermodynamic stability) has been performed at Invitae for this missense variant, however the output from this modeling did not meet the statistical confidence thresholds required to predict the impact of this variant on PDGFRB protein function. For these reasons, this variant has been classified as Pathogenic.

GeneDx
Classification: Likely pathogenic. Last evaluated: 2023-12-08. Review status: criteria provided, single submitter. Criteria: GeneDx Variant Classification Process June 2021. Collection method: clinical testing. Allele origin: germline. Affected: yes.
Comment: Not observed at significant frequency in large population cohorts (gnomAD); In silico analysis supports that this missense variant has a deleterious effect on protein structure/function; This variant is associated with the following publications: (PMID: 30187985, 32291752, 30103666, 32888134, 30200486, 28417142, 35156398, 32050038)

Literature cited by the submitters: PubMed 28417142 (cited by Labcorp Genetics (formerly Invitae), Labcorp).